The following is an entry in ClinVar:

NM_000179.3(MSH6):c.3940C>G (p.Gln1314Glu)

Gene: MSH6 (mutS homolog 6; plus strand). Cytogenetic location: 2p16.3.
Variant type: single nucleotide variant.
Coding change: c.3940C>G on transcript NM_000179.3 (MANE Select); coding-DNA position 3940, C replaced by G.
Protein change: p.Gln1314Glu; replaces glutamine 1314 with glutamic acid.
Molecular consequence: missense variant.
Genome position (GRCh38, 1-based): chr2:47,806,590, C>G. VCF-style: chr2-47806590-C-G. GRCh37 (hg19) VCF-style: chr2-48033729-C-G.
Other names: c.3550C>G, p.Gln1184Glu (NM_001281492.2); c.3034C>G, p.Gln1012Glu (NM_001281493.2, NM_001281494.2); short protein forms Q1012E, Q1184E, Q1314E.
Identifiers: ClinVar variation 648235 (VCV000648235.16), dbSNP rs1416452389, ClinGen allele CA346761500.

ClinVar aggregate classification (germline): Conflicting classifications of pathogenicity. Review status: criteria provided, conflicting classifications (1 of 4 stars). 5 submissions from 5 submitters: Uncertain significance (4); Likely benign (1). Last evaluated 2025-12-29.

Conditions:
Lynch syndrome. Identifiers: Orphanet 144, MedGen C4552100, MONDO:0005835. Disease mechanism: loss of function.
Hereditary nonpolyposis colorectal neoplasms. Identifiers: MedGen C0009405, MeSH D003123.
Hereditary cancer-predisposing syndrome. Also called: Neoplastic Syndromes, Hereditary; Tumor predisposition; Hereditary Cancer Syndrome; Hereditary neoplastic syndrome. Identifiers: Orphanet 140162, MedGen C0027672, MeSH D009386, MONDO:0015356.

Allele frequency attached by ClinVar (database versions not stated): gnomAD exomes below 0.00001.
gnomAD v4.1: 1 of 1,613,236 alleles (0.000062%); highest among the groups gnomAD compares: Non-Finnish European, 0.000085%; no homozygotes.

Submissions (5):

Center for Genomic Medicine, Rigshospitalet, Copenhagen University Hospital
Classification: Uncertain significance. Last evaluated: 2025-12-29. Review status: criteria provided, single submitter. Criteria: ACMG Guidelines, 2015. Collection method: clinical testing. Allele origin: germline.
Comment: Classification criteria: BP4

Ambry Genetics
Classification: Uncertain significance for Hereditary cancer-predisposing syndrome. Last evaluated: 2024-10-17. Review status: criteria provided, single submitter. Criteria: Ambry Variant Classification Scheme 2023. Collection method: clinical testing. Allele origin: germline.
Comment: The p.Q1314E variant (also known as c.3940C>G), located in coding exon 9 of the MSH6 gene, results from a C to G substitution at nucleotide position 3940. The glutamine at codon 1314 is replaced by glutamic acid, an amino acid with highly similar properties. This amino acid position is well conserved in available vertebrate species. In addition, the in silico prediction for this alteration is inconclusive. Since supporting evidence is limited at this time, the clinical significance of this alteration remains unclear.

All of Us Research Program, National Institutes of Health
Classification: Uncertain significance for Lynch syndrome. Last evaluated: 2023-11-30. Review status: criteria provided, single submitter. Criteria: ACMG Guidelines, 2015. Collection method: clinical testing. Allele origin: germline. Inheritance: Autosomal dominant inheritance. Observed: 2 variant alleles, 2 heterozygotes.
Comment: This study involves interpretation of variants in research participants for the purpose of population health screening. Participant phenotype was not available at the time of variant classification. Additional details can be found in publication PMID: 35346344, PMCID: PMC8962531

Labcorp Genetics (formerly Invitae), Labcorp
Classification: Likely benign for Hereditary nonpolyposis colorectal neoplasms. Last evaluated: 2022-08-31. Review status: criteria provided, single submitter. Criteria: Invitae Variant Classification Sherloc (09022015). Collection method: clinical testing. Allele origin: germline.

Women's Health and Genetics/Laboratory Corporation of America, LabCorp
Classification: Uncertain significance. Last evaluated: 2022-06-06. Review status: criteria provided, single submitter. Criteria: LabCorp Variant Classification Summary - May 2015. Collection method: clinical testing. Allele origin: germline.